The following is an entry in ClinVar:

NM_006361.6(HOXB13):c.194del (p.Pro65fs)

Gene: HOXB13 (homeobox B13; minus strand). Cytogenetic location: 17q21.32.
Variant type: Deletion.
Coding change: c.194del on transcript NM_006361.6 (MANE Select); coding-DNA position 194, one base deleted (C; older notation c.194delC).
Protein change: p.Pro65fs; shifts the reading frame from proline 65.
Molecular consequence: frameshift variant.
Genome position (GRCh38, 1-based): chr17:48,728,400, G deleted on the plus strand (C on the coding strand, the reverse complement: HOXB13 is on the minus strand); the first of 3 consecutive G bases (chr17:48,728,400-48,728,402); deleting any one gives the same sequence. VCF-style (leftmost placement, unchanged base first): chr17-48728399-TG-T. GRCh37 (hg19) VCF-style: chr17-46805761-TG-T.
Other names: short protein forms P65fs.
Identifiers: ClinVar variation 1387467 (VCV001387467.6), dbSNP rs1597934833, ClinGen allele CA2573154111.
Genomic context (GRCh38, chr17:48,728,399, plus strand): 5'-GCCTCCAAAGTAACCATAAGGCACGGGAGCTGGGGACGTCCCCTGGGGCACCCCAGGGCA[TG>T]GGTGGCATTGCTTTGGCGGCTCCGCCGAGCCTGGCAGATCCAAGGGGGCATAGTTGACAG-3'

ClinVar aggregate classification (germline): Uncertain significance (1 of 4 stars; one submission).

Submission:

Labcorp Genetics (formerly Invitae), Labcorp
Classification: Uncertain significance. Last evaluated: 2024-06-04. Review status: criteria provided, single submitter. Criteria: Invitae Variant Classification Sherloc (09022015). Collection method: clinical testing. Allele origin: germline.
Comment: This sequence change creates a premature translational stop signal (p.Pro65Hisfs*33) in the HOXB13 gene. It is expected to result in an absent or disrupted protein product. However, the current clinical and genetic evidence is not sufficient to establish whether loss-of-function variants in HOXB13 cause disease. This variant is not present in population databases (gnomAD no frequency). This variant has not been reported in the literature in individuals affected with HOXB13-related conditions. ClinVar contains an entry for this variant (Variation ID: 1387467). In summary, the available evidence is currently insufficient to determine the role of this variant in disease. Therefore, it has been classified as a Variant of Uncertain Significance.